The following is an entry in ClinVar:

NM_052844.4(DYNC2I2):c.107G>T (p.Gly36Val)

Gene: DYNC2I2 (dynein 2 intermediate chain 2; minus strand). Cytogenetic location: 9q34.11.
Variant type: single nucleotide variant.
Coding change: c.107G>T on transcript NM_052844.4 (MANE Select); coding-DNA position 107, G replaced by T.
Protein change: p.Gly36Val; replaces glycine 36 with valine.
Molecular consequence: missense variant.
Genome position (GRCh38, 1-based): chr9:128,656,620, C>A on the plus strand (G>T on the coding strand, the complement: DYNC2I2 is on the minus strand). VCF-style: chr9-128656620-C-A. GRCh37 (hg19) VCF-style: chr9-131418899-C-A.
Other names: short protein forms G36V.
Identifiers: ClinVar variation 734463 (VCV000734463.9), dbSNP rs375929394, ClinGen allele CA5266742.

ClinVar aggregate classification (germline): Likely benign. Review status: criteria provided, single submitter (1 of 4 stars). 2 submissions from 2 submitters: Likely benign (1). 1 of the submissions does not count toward it. Last evaluated 2026-01-22.

Conditions:
Short-rib thoracic dysplasia 11 with or without polydactyly (SRTD11). Also called: SHORT-RIB THORACIC DYSPLASIA 11 WITHOUT POLYDACTYLY. Identifiers: Orphanet 474, Orphanet 93271, MedGen C3810200, MONDO:0014287, OMIM 615633.
DYNC2I2-related disorder. Also called: DYNC2I2-related condition.

Allele frequency attached by ClinVar (database versions not stated): ESP Exome Variant Server 0.00066; gnomAD 0.00155 and 0.00165; 1000 Genomes Project 0.00160; 1000 Genomes Project 30x 0.00187; TOPMed 0.00197.

Submissions (2):

Labcorp Genetics (formerly Invitae), Labcorp
Classification: Likely benign for Short-rib thoracic dysplasia 11 with or without polydactyly. Last evaluated: 2026-01-22. Review status: criteria provided, single submitter. Criteria: Invitae Variant Classification Sherloc (09022015). Collection method: clinical testing. Allele origin: germline.

PreventionGenetics, part of Exact Sciences
Classification: Likely benign for DYNC2I2-related condition. Last evaluated: 2024-08-24. Review status: no assertion criteria provided. Collection method: clinical testing. Allele origin: germline. Not counted in ClinVar's aggregate classification.
Comment: This variant is classified as likely benign based on ACMG/AMP sequence variant interpretation guidelines (Richards et al. 2015 PMID: 25741868, with internal and published modifications).